The following is an entry in ClinVar:

ClinVar aggregate classification (germline): Uncertain significance. Review status: criteria provided, multiple submitters, no conflicts (2 of 4 stars). 4 submissions from 4 submitters: Uncertain significance (4). Last evaluated 2024-10-01.

Conditions:
Hereditary cancer-predisposing syndrome. Also called: Hereditary neoplastic syndrome; Tumor predisposition; Neoplastic Syndromes, Hereditary; Hereditary Cancer Syndrome. Identifiers: Orphanet 140162, MedGen C0027672, MeSH D009386, MONDO:0015356.
Familial adenomatous polyposis 1 (FAP1). Also called: FAMILIAL ADENOMATOUS POLYPOSIS 1, ATTENUATED; POLYPOSIS, ADENOMATOUS INTESTINAL. Identifiers: MedGen C2713442, MONDO:0021056, OMIM 175100. Disease mechanism: loss of function.

Allele frequency attached by ClinVar (database versions not stated): ESP Exome Variant Server 0.00008.
gnomAD v4.1: 2 of 1,612,972 alleles (0.00012%); highest among the groups gnomAD compares: Admixed American, 0.0017%; no homozygotes.

Submissions (4):

Ambry Genetics
Classification: Uncertain significance for Hereditary cancer-predisposing syndrome. Last evaluated: 2024-10-01. Review status: criteria provided, single submitter. Criteria: Ambry Variant Classification Scheme 2023. Collection method: clinical testing. Allele origin: germline.
Comment: The p.K1250N variant (also known as c.3750A>T), located in coding exon 15 of the APC gene, results from an A to T substitution at nucleotide position 3750. The lysine at codon 1250 is replaced by asparagine, an amino acid with similar properties. This amino acid position is highly conserved in available vertebrate species. Missense alterations in APC are not a common cause of disease (Spier I et al. Genet Med. 2024 Feb;26(2):100992). In addition, in silico predictors for this gene do not accurately predict pathogenicity. Since supporting evidence is limited at this time, the clinical significance of this alteration remains unclear.

Labcorp Genetics (formerly Invitae), Labcorp
Classification: Uncertain significance for Familial adenomatous polyposis 1. Last evaluated: 2023-12-22. Review status: criteria provided, single submitter. Criteria: Invitae Variant Classification Sherloc (09022015). Collection method: clinical testing. Allele origin: germline.
Comment: This sequence change replaces lysine, which is basic and polar, with asparagine, which is neutral and polar, at codon 1250 of the APC protein (p.Lys1250Asn). This variant is not present in population databases (gnomAD no frequency). This variant has not been reported in the literature in individuals affected with APC-related conditions. ClinVar contains an entry for this variant (Variation ID: 657252). Advanced modeling of protein sequence and biophysical properties (such as structural, functional, and spatial information, amino acid conservation, physicochemical variation, residue mobility, and thermodynamic stability) performed at Invitae indicates that this missense variant is not expected to disrupt APC protein function with a negative predictive value of 95%. In summary, the available evidence is currently insufficient to determine the role of this variant in disease. Therefore, it has been classified as a Variant of Uncertain Significance.

GeneDx
Classification: Uncertain significance. Last evaluated: 2023-12-01. Review status: criteria provided, single submitter. Criteria: GeneDx Variant Classification Process June 2021. Collection method: clinical testing. Allele origin: germline. Affected: yes.
Comment: Not observed at significant frequency in large population cohorts (gnomAD); In silico analysis supports that this missense variant does not alter protein structure/function; Has not been previously published as pathogenic or benign to our knowledge

Baylor Genetics
Classification: Uncertain significance for Familial adenomatous polyposis 1. Last evaluated: 2023-09-13. Review status: criteria provided, single submitter. Criteria: ACMG Guidelines, 2015. Collection method: clinical testing. Allele origin: unknown.

NM_000038.6(APC):c.3750A>T (p.Lys1250Asn)

Gene: APC (APC regulator of Wnt signaling pathway; plus strand). Cytogenetic location: 5q22.2.
Variant type: single nucleotide variant.
Coding change: c.3750A>T on transcript NM_000038.6 (MANE Select); coding-DNA position 3750, A replaced by T.
Protein change: p.Lys1250Asn; replaces lysine 1250 with asparagine.
Molecular consequence: missense variant.
Genome position (GRCh38, 1-based): chr5:112,839,344, A>T. VCF-style: chr5-112839344-A-T. GRCh37 (hg19) VCF-style: chr5-112175041-A-T.
Other names: c.3750A>T, p.Lys1250Asn (NM_001127510.3, NM_001354895.2); c.3696A>T, p.Lys1232Asn (NM_001127511.3); c.3804A>T, p.Lys1268Asn (NM_001354896.2); c.3780A>T, p.Lys1260Asn (NM_001354897.2); c.3675A>T, p.Lys1225Asn (NM_001354898.2); c.3666A>T, p.Lys1222Asn (NM_001354899.2); c.3627A>T, p.Lys1209Asn (NM_001354900.2); c.3573A>T, p.Lys1191Asn (NM_001354901.2); and 5 more; short protein forms K1159N, K1225N, K1222N, K1090N, K1124N, K1209N, K1250N, K1149N.
Identifiers: ClinVar variation 657252 (VCV000657252.15), dbSNP rs142728143, ClinGen allele CA036555.